The following is an entry in ClinVar:

NM_005015.5(OXA1L):c.1124C>T (p.Thr375Met)

Gene: OXA1L (OXA1L mitochondrial inner membrane protein; plus strand). Cytogenetic location: 14q11.2.
Variant type: single nucleotide variant.
Coding change: c.1124C>T on transcript NM_005015.5 (MANE Select); coding-DNA position 1124, C replaced by T.
Protein change: p.Thr375Met; replaces threonine 375 with methionine.
Molecular consequence: missense variant.
Genome position (GRCh38, 1-based): chr14:22,771,289, C>T. VCF-style: chr14-22771289-C-T. GRCh37 (hg19) VCF-style: chr14-23240498-C-T.
Other names: short protein forms T375M.
Identifiers: ClinVar variation 3356127 (VCV003356127.1).

ClinVar aggregate classification (germline): Likely benign (0 of 4 stars; one submission).

Conditions:
OXA1L-related disorder. Also called: OXA1L-related condition.

Submission:

PreventionGenetics, part of Exact Sciences
Classification: Likely benign for OXA1L-related condition. Last evaluated: 2024-03-11. Review status: no assertion criteria provided. Collection method: clinical testing. Allele origin: germline.
Comment: This variant is classified as likely benign based on ACMG/AMP sequence variant interpretation guidelines (Richards et al. 2015 PMID: 25741868, with internal and published modifications).